The following is an entry in ClinVar:

NM_001903.5(CTNNA1):c.1800G>C (p.Ser600=)

Gene: CTNNA1 (catenin alpha 1; plus strand). Cytogenetic location: 5q31.2.
Variant type: single nucleotide variant.
Coding change: c.1800G>C on transcript NM_001903.5 (MANE Select); coding-DNA position 1800, G replaced by C.
Protein change: p.Ser600=; no amino-acid change (serine 600 retained).
Molecular consequence: synonymous variant.
Genome position (GRCh38, 1-based): chr5:138,925,308, G>C. VCF-style: chr5-138925308-G-C. GRCh37 (hg19) VCF-style: chr5-138260997-G-C.
Other names: c.1800G>C (NM_001903.2); c.1800G>C, p.Ser600= (NM_001290307.3, NM_001323982.2, NM_001323983.1 and 2 more transcripts); c.1491G>C, p.Ser497= (NM_001290309.3); c.1431G>C, p.Ser477= (NM_001290310.3); c.690G>C, p.Ser230= (NM_001290312.1, NM_001323987.1, NM_001323988.1 and 17 more transcripts); c.1707G>C, p.Ser569= (NM_001323986.2); c.351G>C, p.Ser117= (NM_001324006.1, NM_001324007.1, NM_001324008.1 and 2 more transcripts); c.597G>C, p.Ser199= (NM_001324011.1); and 1 more.
Identifiers: ClinVar variation 2002796 (VCV002002796.6), dbSNP rs767250173, ClinGen allele CA446597352.

ClinVar aggregate classification (germline): Benign/Likely benign. Review status: criteria provided, multiple submitters, no conflicts (2 of 4 stars). 3 submissions from 3 submitters: Benign (1); Likely benign (2). Last evaluated 2024-10-14.

Conditions:
Hereditary cancer-predisposing syndrome. Also called: Hereditary Cancer Syndrome; Tumor predisposition; Hereditary neoplastic syndrome; Neoplastic Syndromes, Hereditary. Identifiers: Orphanet 140162, MedGen C0027672, MeSH D009386, MONDO:0015356.
Hereditary diffuse gastric adenocarcinoma (HDGC). Also called: DIFFUSE GASTRIC AND LOBULAR BREAST CANCER SYNDROME. Identifiers: Orphanet 26106, MedGen C1708349, MONDO:0007648, OMIM 137215.

Submissions (3):

Myriad Genetics, Inc.
Classification: Benign for Hereditary diffuse gastric adenocarcinoma. Last evaluated: 2024-10-14. Review status: criteria provided, single submitter. Criteria: Myriad Autosomal Dominant, Autosomal Recessive and X-Linked Classification Criteria (2023). Collection method: clinical testing. Allele origin: unknown.
Comment: This variant is considered benign. This variant is a silent/synonymous amino acid change and it is not expected to impact splicing.

Labcorp Genetics (formerly Invitae), Labcorp
Classification: Likely benign. Last evaluated: 2024-04-22. Review status: criteria provided, single submitter. Criteria: Invitae Variant Classification Sherloc (09022015). Collection method: clinical testing. Allele origin: germline.

Ambry Genetics
Classification: Likely benign for Hereditary cancer-predisposing syndrome. Last evaluated: 2022-11-15. Review status: criteria provided, single submitter. Criteria: Ambry Variant Classification Scheme 2023. Collection method: clinical testing. Allele origin: germline.